The following is an entry in ClinVar:

NM_015192.4(PLCB1):c.331C>T (p.Leu111Phe)

Gene: PLCB1 (phospholipase C beta 1; plus strand). Cytogenetic location: 20p12.3.
Variant type: single nucleotide variant.
Coding change: c.331C>T on transcript NM_015192.4 (MANE Select); coding-DNA position 331, C replaced by T.
Protein change: p.Leu111Phe; replaces leucine 111 with phenylalanine.
Molecular consequence: missense variant.
Genome position (GRCh38, 1-based): chr20:8,628,378, C>T. VCF-style: chr20-8628378-C-T. GRCh37 (hg19) VCF-style: chr20-8609025-C-T.
Other names: c.331C>T, p.Leu111Phe (NM_182734.3); c.331C>T (NM_015192.2); short protein forms L111F.
Identifiers: ClinVar variation 1419540 (VCV001419540.7), dbSNP rs373051695, ClinGen allele CA311672844.

ClinVar aggregate classification (germline): Uncertain significance. Review status: criteria provided, multiple submitters, no conflicts (2 of 4 stars). 2 submissions from 2 submitters: Uncertain significance (2). Last evaluated 2025-08-09.

Conditions:
Inborn genetic diseases. Identifiers: MedGen C0950123, MeSH D030342.
Developmental and epileptic encephalopathy, 12 (DEE12). Identifiers: MedGen C3150988, MONDO:0013389, OMIM 613722.

Allele frequency attached by ClinVar (database versions not stated): TOPMed 0.00001; ESP Exome Variant Server 0.00008.

Submissions (2):

Ambry Genetics
Classification: Uncertain significance for Inborn genetic diseases. Last evaluated: 2025-08-09. Review status: criteria provided, single submitter. Criteria: Ambry Variant Classification Scheme 2023. Collection method: clinical testing. Allele origin: germline.

Labcorp Genetics (formerly Invitae), Labcorp
Classification: Uncertain significance for Developmental and epileptic encephalopathy, 12. Last evaluated: 2021-10-27. Review status: criteria provided, single submitter. Criteria: Invitae Variant Classification Sherloc (09022015). Collection method: clinical testing. Allele origin: germline.
Comment: Algorithms developed to predict the effect of missense changes on protein structure and function (SIFT, PolyPhen-2, Align-GVGD) all suggest that this variant is likely to be tolerated. This variant has not been reported in the literature in individuals affected with PLCB1-related conditions. This variant is not present in population databases (gnomAD no frequency). This sequence change replaces leucine, a(n) neutral and non-polar amino acid, with phenylalanine, a(n) neutral and non-polar amino acid, at codon 111 of the PLCB1 protein (p.Leu111Phe). In summary, the available evidence is currently insufficient to determine the role of this variant in disease. Therefore, it has been classified as a Variant of Uncertain Significance.